The following is an entry in ClinVar:

ClinVar aggregate classification (germline): Uncertain significance (1 of 4 stars; one submission).

Conditions:
Developmental and epileptic encephalopathy 94 (DEE94). Also called: Epileptic encephalopathy, childhood-onset; CHD2-Related Neurodevelopmental Disorders. Identifiers: Orphanet 1942, Orphanet 2382, MedGen C3809278, MONDO:0014150, OMIM 615369.

Allele frequency attached by ClinVar (database versions not stated): TOPMed 0.00001; ExAC 0.00002; gnomAD exomes 0.00002 and 0.00003.
gnomAD v4.1: 45 of 1,613,622 alleles (0.0028%); highest among the groups gnomAD compares: Non-Finnish European, 0.0037%; no homozygotes.

Submission:

Labcorp Genetics (formerly Invitae), Labcorp
Classification: Uncertain significance for Developmental and epileptic encephalopathy 94. Last evaluated: 2025-06-06. Review status: criteria provided, single submitter. Criteria: Invitae Variant Classification Sherloc (09022015). Collection method: clinical testing. Allele origin: germline.
Comment: This sequence change replaces lysine, which is basic and polar, with arginine, which is basic and polar, at codon 228 of the CHD2 protein (p.Lys228Arg). This variant is present in population databases (rs764468460, gnomAD 0.004%). This variant has not been reported in the literature in individuals affected with CHD2-related conditions. ClinVar contains an entry for this variant (Variation ID: 941382). Invitae Evidence Modeling of protein sequence and biophysical properties (such as structural, functional, and spatial information, amino acid conservation, physicochemical variation, residue mobility, and thermodynamic stability) indicates that this missense variant is not expected to disrupt CHD2 protein function with a negative predictive value of 95%. In summary, the available evidence is currently insufficient to determine the role of this variant in disease. Therefore, it has been classified as a Variant of Uncertain Significance.

NM_001271.4(CHD2):c.683A>G (p.Lys228Arg)

Gene: CHD2 (chromodomain helicase DNA binding protein 2; plus strand). Cytogenetic location: 15q26.1.
Variant type: single nucleotide variant.
Coding change: c.683A>G on transcript NM_001271.4 (MANE Select); coding-DNA position 683, A replaced by G.
Protein change: p.Lys228Arg; replaces lysine 228 with arginine.
Molecular consequence: missense variant.
Genome position (GRCh38, 1-based): chr15:92,939,709, A>G. VCF-style: chr15-92939709-A-G. GRCh37 (hg19) VCF-style: chr15-93482939-A-G.
Other names: c.683A>G, p.Lys228Arg (NM_001042572.3); short protein forms K228R.
Identifiers: ClinVar variation 941382 (VCV000941382.10), dbSNP rs764468460, ClinGen allele CA7747594.